The following is an entry in ClinVar:

ClinVar aggregate classification (germline): Uncertain significance. Review status: criteria provided, multiple submitters, no conflicts (2 of 4 stars). 2 submissions from 2 submitters: Uncertain significance (2). Last evaluated 2025-03-04.

Allele frequency attached by ClinVar (database versions not stated): gnomAD exomes below 0.00001.
gnomAD v4.1: 1 of 1,614,226 alleles (0.000062%); highest among the groups gnomAD compares: East Asian, 0.0022%; no homozygotes.

Submissions (2):

Center for Genomic Medicine, Rigshospitalet, Copenhagen University Hospital
Classification: Uncertain significance. Last evaluated: 2025-03-04. Review status: criteria provided, single submitter. Criteria: ACMG Guidelines, 2015. Collection method: clinical testing. Allele origin: germline.

Labcorp Genetics (formerly Invitae), Labcorp
Classification: Uncertain significance. Last evaluated: 2024-09-26. Review status: criteria provided, single submitter. Criteria: Invitae Variant Classification Sherloc (09022015). Collection method: clinical testing. Allele origin: germline.
Comment: This sequence change replaces leucine, which is neutral and non-polar, with arginine, which is basic and polar, at codon 532 of the C1S protein (p.Leu532Arg). This variant is not present in population databases (gnomAD no frequency). This variant has not been reported in the literature in individuals affected with C1S-related conditions. Invitae Evidence Modeling of protein sequence and biophysical properties (such as structural, functional, and spatial information, amino acid conservation, physicochemical variation, residue mobility, and thermodynamic stability) indicates that this missense variant is expected to disrupt C1S protein function with a positive predictive value of 80%. In summary, the available evidence is currently insufficient to determine the role of this variant in disease. Therefore, it has been classified as a Variant of Uncertain Significance.

Literature cited by the submitters: PubMed 34573280 (cited by Center for Genomic Medicine, Rigshospitalet, Copenhagen University Hospital); PubMed 35532072 (cited by Center for Genomic Medicine, Rigshospitalet, Copenhagen University Hospital); PubMed 37209807 (cited by Center for Genomic Medicine, Rigshospitalet, Copenhagen University Hospital); PubMed 31873753 (cited by Center for Genomic Medicine, Rigshospitalet, Copenhagen University Hospital).

NM_001734.5(C1S):c.1595T>G (p.Leu532Arg)

Gene: C1S (complement C1s; plus strand). Cytogenetic location: 12p13.31.
Variant type: single nucleotide variant.
Coding change: c.1595T>G on transcript NM_001734.5 (MANE Select); coding-DNA position 1595, T replaced by G.
Protein change: p.Leu532Arg; replaces leucine 532 with arginine.
Molecular consequence: missense variant.
Genome position (GRCh38, 1-based): chr12:7,070,179, T>G. VCF-style: chr12-7070179-T-G. GRCh37 (hg19) VCF-style: chr12-7177483-T-G.
Other names: c.1094T>G, p.Leu365Arg (NM_001346850.2); c.1595T>G, p.Leu532Arg (NM_201442.4); short protein forms L365R, L532R.
Identifiers: ClinVar variation 2692184 (VCV002692184.4), dbSNP rs2539607947, ClinGen allele CA383705405.